The following is an entry in ClinVar:

NM_017780.4(CHD7):c.2830C>A (p.Arg944Ser)

Gene: CHD7 (chromodomain helicase DNA binding protein 7; plus strand). Cytogenetic location: 8q12.2.
Variant type: single nucleotide variant.
Coding change: c.2830C>A on transcript NM_017780.4 (MANE Select); coding-DNA position 2830, C replaced by A.
Protein change: p.Arg944Ser; replaces arginine 944 with serine.
Molecular consequence: missense variant. On other transcripts: intron variant (1).
Genome position (GRCh38, 1-based): chr8:60,821,922, C>A. VCF-style: chr8-60821922-C-A. GRCh37 (hg19) VCF-style: chr8-61734481-C-A.
Other names: c.2830C>A (LRG_176t1); c.1717-40307C>A (NM_001316690.1); short protein forms R944S.
Identifiers: ClinVar variation 158286 (VCV000158286.9), dbSNP rs587783435, ClinGen allele CA271294.

ClinVar aggregate classification (germline): Uncertain significance. Review status: criteria provided, multiple submitters, no conflicts (2 of 4 stars). 3 submissions from 3 submitters: Uncertain significance (3). Last evaluated 2024-04-29.

Conditions:
Inborn genetic diseases. Identifiers: MedGen C0950123, MeSH D030342.
CHARGE syndrome (CHARGE). Also called: CHARGE ASSOCIATION--COLOBOMA, HEART ANOMALY, CHOANAL ATRESIA, RETARDATION, GENITAL AND EAR ANOMALIES; Hittner Hirsch Kreh syndrome; Coloboma, heart anomaly, choanal atresia, retardation, genital and ear anomalies; CHARGE association; Hall-Hittner syndrome. Identifiers: Orphanet 138, MedGen C0265354, MONDO:0008965.

gnomAD v4.1: 1 of 1,612,936 alleles (0.000062%); highest among the groups gnomAD compares: Non-Finnish European, 0.000085%; no homozygotes.

Submissions (3):

Blueprint Genetics
Classification: Uncertain significance. Last evaluated: 2024-04-29. Review status: criteria provided, single submitter. Criteria: ACMG Guidelines, 2015. Collection method: clinical testing. Allele origin: germline.

Ambry Genetics
Classification: Uncertain significance for Inborn genetic diseases. Last evaluated: 2018-03-10. Review status: criteria provided, single submitter. Criteria: Ambry Variant Classification Scheme 2023. Collection method: clinical testing. Allele origin: germline.
Comment: The p.R944S variant (also known as c.2830C>A), located in coding exon 9 of the CHD7 gene, results from a C to A substitution at nucleotide position 2830. The arginine at codon 944 is replaced by serine, an amino acid with dissimilar properties. This alteration, which was referred to as c.2832A>C, was detected once in a cohort of individuals who had either Kallmann syndrome (KS) or congenital hypogonadotrophic hypogonadism (CHH) as well as several CHARGE syndrome features but who did not meet formal diagnostic criteria for CHARGE syndrome (Marcos S et al. J. Clin. Endocrinol. Metab., 2014 Oct;99:E2138-43).This amino acid position is highly conserved in available vertebrate species. In addition, this alteration is predicted to be deleterious by in silico analysis. Since supporting evidence is limited at this time, the clinical significance of this alteration remains unclear.

Genetic Services Laboratory, University of Chicago
Classification: Uncertain significance for CHARGE syndrome. Last evaluated: 2013-05-03. Review status: criteria provided, single submitter. Criteria: ACMG Guidelines, 2007. Collection method: clinical testing. Allele origin: germline. Inheritance: Autosomal dominant inheritance.

Literature cited by the submitters: PubMed 25077900 (cited by Ambry Genetics).